The following is an entry in ClinVar:

ClinVar aggregate classification (germline): Pathogenic (1 of 4 stars; one submission).

Conditions:
Familial adenomatous polyposis 1 (FAP1). Also called: POLYPOSIS, ADENOMATOUS INTESTINAL; FAMILIAL ADENOMATOUS POLYPOSIS 1, ATTENUATED. Identifiers: MedGen C2713442, MONDO:0021056, OMIM 175100. Disease mechanism: loss of function.

Submission:

Myriad Genetics, Inc.
Classification: Pathogenic for Familial adenomatous polyposis 1. Last evaluated: 2023-05-02. Review status: criteria provided, single submitter. Criteria: Myriad Autosomal Dominant, Autosomal Recessive and X-Linked Classification Criteria (2023). Collection method: clinical testing. Allele origin: unknown.
Comment: This variant is considered pathogenic. This variant creates a frameshift predicted to result in premature protein truncation.

NM_000038.6(APC):c.1559del (p.Cys520fs)

Gene: APC (APC regulator of Wnt signaling pathway; plus strand). Cytogenetic location: 5q22.2.
Variant type: Deletion.
Coding change: c.1559del on transcript NM_000038.6 (MANE Select); coding-DNA position 1559, one base deleted (G; older notation c.1559delG).
Protein change: p.Cys520fs; shifts the reading frame from cysteine 520.
Molecular consequence: frameshift variant.
Genome position (GRCh38, 1-based): chr5:112,827,939, G deleted. VCF-style (leftmost placement, unchanged base first): chr5-112827938-TG-T. GRCh37 (hg19) VCF-style: chr5-112163635-TG-T.
Other names: c.1559del, p.Cys520fs (NM_001127510.3, NM_001354895.2, NM_001407450.1); c.1505del, p.Cys502fs (NM_001127511.3); c.1613del, p.Cys538fs (NM_001354896.2, NM_001407447.1, NM_001407448.1 and 1 more transcripts); c.1589del, p.Cys530fs (NM_001354897.2); c.1484del, p.Cys495fs (NM_001354898.2); c.1475del, p.Cys492fs (NM_001354899.2); c.1436del, p.Cys479fs (NM_001354900.2); c.1382del, p.Cys461fs (NM_001354901.2, NM_001407453.1); and 11 more; short protein forms C136fs, C237fs, C360fs, C391fs, C394fs, C419fs, C429fs, C437fs.
Identifiers: ClinVar variation 2583320 (VCV002583320.1), dbSNP rs2533218431, ClinGen allele CA2582341360.